The following is an entry in ClinVar:

ClinVar aggregate classification (germline): Uncertain significance (1 of 4 stars; one submission).

Conditions:
Inborn genetic diseases. Identifiers: MedGen C0950123, MeSH D030342.

gnomAD v4.1: 1 of 1,506,584 alleles (0.000066%); highest among the groups gnomAD compares: Non-Finnish European, 0.000089%; no homozygotes.

Submission:

Ambry Genetics
Classification: Uncertain significance for Inborn genetic diseases. Last evaluated: 2025-01-19. Review status: criteria provided, single submitter. Criteria: Ambry Variant Classification Scheme 2023. Collection method: clinical testing. Allele origin: germline.
Comment: The p.R18H variant (also known as c.53G>A), located in coding exon 1 of the ASXL1 gene, results from a G to A substitution at nucleotide position 53. The arginine at codon 18 is replaced by histidine, an amino acid with highly similar properties. This amino acid position is conserved. In addition, this alteration is predicted to be tolerated by in silico analysis. Based on the available evidence, the clinical significance of this variant remains unclear.

NM_015338.6(ASXL1):c.53G>A (p.Arg18His)

Gene: ASXL1 (ASXL transcriptional regulator 1; plus strand). Cytogenetic location: 20q11.21.
Variant type: single nucleotide variant.
Coding change: c.53G>A on transcript NM_015338.6 (MANE Select); coding-DNA position 53, G replaced by A.
Protein change: p.Arg18His; replaces arginine 18 with histidine.
Molecular consequence: missense variant.
Genome position (GRCh38, 1-based): chr20:32,358,828, G>A. VCF-style: chr20-32358828-G-A. GRCh37 (hg19) VCF-style: chr20-30946631-G-A.
Other names: c.53G>A, p.Arg18His (NM_001164603.1); short protein forms R18H.
Identifiers: ClinVar variation 3792518 (VCV003792518.1).